The following is an entry in ClinVar:

ClinVar aggregate classification (germline): Conflicting classifications of pathogenicity. Review status: criteria provided, conflicting classifications (1 of 4 stars). 4 submissions from 4 submitters: Uncertain significance (2); Likely benign (2). Last evaluated 2025-12-21.

Conditions:
Ehlers-Danlos syndrome, classic type, 1 (EDSCL1). Also called: Ehlers-Danlos syndrome, type 1; EHLERS-DANLOS SYNDROME, GRAVIS TYPE; EHLERS-DANLOS SYNDROME, SEVERE CLASSIC TYPE; Ehlers-Danlos Syndrome, Classic Type, COL5A1-Related; EDS I. Identifiers: MedGen C0268335, MONDO:0019567, OMIM 130000.
Familial thoracic aortic aneurysm and aortic dissection (TAAD). Also called: Thoracic aortic aneurysms and dissections. Identifiers: Orphanet 91387, MedGen C4707243, MONDO:0019625.

Allele frequency attached by ClinVar (database versions not stated): gnomAD below 0.00001 and 0.00001; gnomAD exomes 0.00001; ExAC 0.00005.
gnomAD v4.1: 20 of 1,549,792 alleles (0.0013%); highest among the groups gnomAD compares: South Asian, 0.014%; no homozygotes.

Submissions (4):

Labcorp Genetics (formerly Invitae), Labcorp
Classification: Uncertain significance for Ehlers-Danlos syndrome, classic type, 1. Last evaluated: 2025-12-21. Review status: criteria provided, single submitter. Criteria: Invitae Variant Classification Sherloc (09022015). Collection method: clinical testing. Allele origin: germline.
Comment: This sequence change affects codon 1013 of the COL5A2 mRNA. It is a 'silent' change, meaning that it does not change the encoded amino acid sequence of the COL5A2 protein. This variant also falls at the last nucleotide of exon 43, which is part of the consensus splice site for this exon. This variant is present in population databases (rs751945982, gnomAD 0.004%). This variant has not been reported in the literature in individuals affected with COL5A2-related conditions. ClinVar contains an entry for this variant (Variation ID: 507827). Variants that disrupt the consensus splice site are a relatively common cause of aberrant splicing (PMID: 17576681, 9536098). Algorithms developed to predict the effect of sequence changes on RNA splicing suggest that this variant is not likely to affect RNA splicing. In summary, the available evidence is currently insufficient to determine the role of this variant in disease. Therefore, it has been classified as a Variant of Uncertain Significance.

Ambry Genetics
Classification: Likely benign for Familial thoracic aortic aneurysm and aortic dissection. Last evaluated: 2024-11-09. Review status: criteria provided, single submitter. Criteria: Ambry Variant Classification Scheme 2023. Collection method: clinical testing. Allele origin: germline.

Blueprint Genetics
Classification: Uncertain significance. Last evaluated: 2024-08-09. Review status: criteria provided, single submitter. Criteria: ACMG Guidelines, 2015. Collection method: clinical testing. Allele origin: germline.

GeneDx
Classification: Likely benign. Last evaluated: 2017-03-02. Review status: criteria provided, single submitter. Criteria: GeneDx Variant Classification (06012015). Collection method: clinical testing. Allele origin: germline. Affected: yes.
Comment: This variant is considered likely benign or benign based on one or more of the following criteria: it is a conservative change, it occurs at a poorly conserved position in the protein, it is predicted to be benign by multiple in silico algorithms, and/or has population frequency not consistent with disease.

Literature cited by the submitters: PubMed 17576681 (cited by Labcorp Genetics (formerly Invitae), Labcorp); PubMed 9536098 (cited by Labcorp Genetics (formerly Invitae), Labcorp).

NM_000393.5(COL5A2):c.3039G>A (p.Ala1013=)

Gene: COL5A2 (collagen type V alpha 2 chain; minus strand). Cytogenetic location: 2q32.2.
Variant type: single nucleotide variant.
Coding change: c.3039G>A on transcript NM_000393.5 (MANE Select); coding-DNA position 3039, G replaced by A.
Protein change: p.Ala1013=; no amino-acid change (alanine 1013 retained).
Molecular consequence: synonymous variant.
Genome position (GRCh38, 1-based): chr2:189,050,569, C>T on the plus strand (G>A on the coding strand, the complement: COL5A2 is on the minus strand). VCF-style: chr2-189050569-C-T. GRCh37 (hg19) VCF-style: chr2-189915295-C-T.
Identifiers: ClinVar variation 507827 (VCV000507827.7), dbSNP rs751945982, ClinGen allele CA2022135.